The following is an entry in ClinVar:

NM_004369.4(COL6A3):c.9326C>T (p.Thr3109Ile)

Gene: COL6A3 (collagen type VI alpha 3 chain; minus strand). Cytogenetic location: 2q37.3.
Variant type: single nucleotide variant.
Coding change: c.9326C>T on transcript NM_004369.4 (MANE Select); coding-DNA position 9326, C replaced by T.
Protein change: p.Thr3109Ile; replaces threonine 3109 with isoleucine.
Molecular consequence: missense variant.
Genome position (GRCh38, 1-based): chr2:237,333,452, G>A on the plus strand (C>T on the coding strand, the complement: COL6A3 is on the minus strand). VCF-style: chr2-237333452-G-A. GRCh37 (hg19) VCF-style: chr2-238242095-G-A.
Other names: c.7505C>T, p.Thr2502Ile (NM_057166.5); c.8708C>T, p.Thr2903Ile (NM_057167.4); short protein forms T2903I, T2502I, T3109I.
Identifiers: ClinVar variation 3016833 (VCV003016833.3), dbSNP rs1700370925, ClinGen allele CA351187146.

ClinVar aggregate classification (germline): Uncertain significance (1 of 4 stars; one submission).

Conditions:
Bethlem myopathy 1A. Also called: MYOPATHY, BENIGN CONGENITAL, WITH CONTRACTURES; Bethlem myopathy 1; Bethlem Muscular Dystrophy. Identifiers: Orphanet 610, MedGen CN029274, MONDO:0024530, OMIM 158810.

Allele frequency attached by ClinVar (database versions not stated): gnomAD exomes 0.00001; TOPMed 0.00001.

Submission:

Labcorp Genetics (formerly Invitae), Labcorp
Classification: Uncertain significance for Bethlem myopathy 1A. Last evaluated: 2024-01-11. Review status: criteria provided, single submitter. Criteria: Invitae Variant Classification Sherloc (09022015). Collection method: clinical testing. Allele origin: germline.
Comment: This sequence change replaces threonine, which is neutral and polar, with isoleucine, which is neutral and non-polar, at codon 3109 of the COL6A3 protein (p.Thr3109Ile). This variant is not present in population databases (gnomAD no frequency). This variant has not been reported in the literature in individuals affected with COL6A3-related conditions. Algorithms developed to predict the effect of missense changes on protein structure and function output the following: SIFT: "Not Available"; PolyPhen-2: "Not Available"; Align-GVGD: "Not Available". The isoleucine amino acid residue is found in multiple mammalian species, which suggests that this missense change does not adversely affect protein function. In summary, the available evidence is currently insufficient to determine the role of this variant in disease. Therefore, it has been classified as a Variant of Uncertain Significance.